The following is an entry in ClinVar:

ClinVar aggregate classification (germline): Uncertain significance. Review status: criteria provided, multiple submitters, no conflicts (2 of 4 stars). 3 submissions from 3 submitters: Uncertain significance (3). Last evaluated 2025-04-01.

Conditions:
Oligodontia-cancer predisposition syndrome. Also called: TOOTH AGENESIS-COLORECTAL CANCER SYNDROME. Identifiers: Orphanet 300576, MedGen C1837750, MONDO:0012075, OMIM 608615. Disease mechanism: loss of function.
Hereditary cancer-predisposing syndrome. Also called: Neoplastic Syndromes, Hereditary; Hereditary Cancer Syndrome; Tumor predisposition; Hereditary neoplastic syndrome. Identifiers: Orphanet 140162, MedGen C0027672, MeSH D009386, MONDO:0015356.

Submissions (3):

Labcorp Genetics (formerly Invitae), Labcorp
Classification: Uncertain significance for Oligodontia-cancer predisposition syndrome. Last evaluated: 2025-04-01. Review status: criteria provided, single submitter. Criteria: Invitae Variant Classification Sherloc (09022015). Collection method: clinical testing. Allele origin: germline.
Comment: This sequence change replaces lysine, which is basic and polar, with glutamic acid, which is acidic and polar, at codon 42 of the AXIN2 protein (p.Lys42Glu). This variant is not present in population databases (gnomAD no frequency). This variant has not been reported in the literature in individuals affected with AXIN2-related conditions. ClinVar contains an entry for this variant (Variation ID: 944175). Invitae Evidence Modeling of protein sequence and biophysical properties (such as structural, functional, and spatial information, amino acid conservation, physicochemical variation, residue mobility, and thermodynamic stability) indicates that this missense variant is not expected to disrupt AXIN2 protein function with a negative predictive value of 80%. In summary, the available evidence is currently insufficient to determine the role of this variant in disease. Therefore, it has been classified as a Variant of Uncertain Significance.

Ambry Genetics
Classification: Uncertain significance for Hereditary cancer-predisposing syndrome. Last evaluated: 2024-07-29. Review status: criteria provided, single submitter. Criteria: Ambry Variant Classification Scheme 2023. Collection method: clinical testing. Allele origin: germline.
Comment: The p.K42E variant (also known as c.124A>G), located in coding exon 1 of the AXIN2 gene, results from an A to G substitution at nucleotide position 124. The lysine at codon 42 is replaced by glutamic acid, an amino acid with similar properties. This amino acid position is conserved. In addition, this alteration is predicted to be tolerated by in silico analysis. Based on the available evidence, the clinical significance of this variant remains unclear.

Sema4
Classification: Uncertain significance for Hereditary cancer-predisposing syndrome. Last evaluated: 2021-12-08. Review status: criteria provided, single submitter. Criteria: Sema4 Curation Guidelines. Collection method: curation. Allele origin: germline.
Comment: The AXIN2 c.124A>G (p.K42E) variant has not been reported in the literature to our knowledge. It was not observed in the large and broad cohorts of the Genome Aggregation Database (PMID: 32461654). This variant has been reported in ClinVar (Variation ID 944175). Functional studies have not been performed, and in silico predictions of the variant's effect on protein function are inconclusive. The evidence is insufficient to meet ACMG/AMP criteria for classifying the variant as benign or pathogenic. Thus, the clinical significance of this variant is currently uncertain.

NM_004655.4(AXIN2):c.124A>G (p.Lys42Glu)

Gene: AXIN2 (axin 2; minus strand). Cytogenetic location: 17q24.1.
Variant type: single nucleotide variant.
Coding change: c.124A>G on transcript NM_004655.4 (MANE Select); coding-DNA position 124, A replaced by G.
Protein change: p.Lys42Glu; replaces lysine 42 with glutamic acid.
Molecular consequence: missense variant.
Genome position (GRCh38, 1-based): chr17:65,558,497, T>C on the plus strand (A>G on the coding strand, the complement: AXIN2 is on the minus strand). VCF-style: chr17-65558497-T-C. GRCh37 (hg19) VCF-style: chr17-63554615-T-C.
Other names: c.124A>G, p.Lys42Glu (NM_001363813.1); short protein forms K42E.
Identifiers: ClinVar variation 944175 (VCV000944175.12), dbSNP rs2044309891, ClinGen allele CA400682119.